The following is an entry in ClinVar:

NM_007118.4(TRIO):c.5668-1037C>T

Gene: TRIO (trio Rho guanine nucleotide exchange factor; plus strand). Cytogenetic location: 5p15.2.
Variant type: single nucleotide variant.
Coding change: c.5668-1037C>T on transcript NM_007118.4 (MANE Select); 1037 bases into the intron before coding-DNA position 5668, C replaced by T.
Molecular consequence: intron variant.
Genome position (GRCh38, 1-based): chr5:14,464,508, C>T. VCF-style: chr5-14464508-C-T. GRCh37 (hg19) VCF-style: chr5-14464617-C-T.
Identifiers: ClinVar variation 4281288 (VCV004281288.7).
Genomic context (GRCh38, chr5:14,464,508, plus strand): 5'-AATCTCGTGACTAATTTTTTGTTTTGTTCTGTTTTCTCTTTTTGTAAACTTTCACTGCAG[C>T]ATTATGTTGATTTGTGTTCTGTGTCTGTTTTGGCTCAATTTCCTTACCTTTCCGTTTGAA-3'

ClinVar aggregate classification (germline): Likely benign (1 of 4 stars; one submission).

gnomAD v4.1: 84 of 152,336 alleles (0.055%); highest among the groups gnomAD compares: Non-Finnish European, 0.09%; no homozygotes.

Submission:

CeGaT Center for Human Genetics Tuebingen
Classification: Likely benign. Last evaluated: 2025-09-01. Review status: criteria provided, single submitter. Criteria: CeGaT Center For Human Genetics Tuebingen Variant Classification Criteria Version 2. Collection method: clinical testing. Allele origin: germline. Affected: yes. Observed: 1 variant allele.
Comment: TRIO: BS1